The following is an entry in ClinVar:

NM_001267550.2(TTN):c.31390C>T (p.Arg10464Trp)

Gene: TTN (titin; minus strand). Cytogenetic location: 2q31.2.
Variant type: single nucleotide variant.
Coding change: c.31390C>T on transcript NM_001267550.2 (MANE Select); coding-DNA position 31390, C replaced by T.
Protein change: p.Arg10464Trp; replaces arginine 10464 with tryptophan.
Molecular consequence: missense variant. On other transcripts: intron variant (3).
Genome position (GRCh38, 1-based): chr2:178,694,635, G>A on the plus strand (C>T on the coding strand, the complement: TTN is on the minus strand). VCF-style: chr2-178694635-G-A. GRCh37 (hg19) VCF-style: chr2-179559362-G-A.
Other names: c.30439C>T, p.Arg10147Trp (NM_001256850.1); c.27658C>T, p.Arg9220Trp (NM_133378.4); c.13282+43447C>T (NM_003319.4); c.13858+43447C>T (NM_133437.4); c.13657+43447C>T (NM_133432.3); short protein forms R10464W, R10147W, R9220W.
Identifiers: ClinVar variation 405108 (VCV000405108.20), dbSNP rs374555701, ClinGen allele CA1998969.

ClinVar aggregate classification (germline): Conflicting classifications of pathogenicity. Review status: criteria provided, conflicting classifications (1 of 4 stars). 12 submissions from 8 submitters: Uncertain significance (9); Benign (2); Likely benign (1). Last evaluated 2026-09-09.

Conditions:
Autosomal recessive limb-girdle muscular dystrophy type 2J (LGMDR10). Also called: Limb-girdle muscular dystrophy, type 2J; MUSCULAR DYSTROPHY, LIMB-GIRDLE, AUTOSOMAL RECESSIVE 10. Identifiers: Orphanet 140922, MedGen C1837342, MONDO:0012127, OMIM 608807.
Dilated cardiomyopathy 1G (CMD1G). Identifiers: Orphanet 154, MedGen C1858763, MONDO:0011400, OMIM 604145.
Myopathy, myofibrillar, 9, with early respiratory failure (MFM9). Also called: Myopathy, distal, with early respiratory failure, autosomal dominant; Hereditary myopathy with early respiratory failure; MYOPATHY, PROXIMAL, WITH EARLY RESPIRATORY MUSCLE INVOLVEMENT; EDSTROM MYOPATHY. Identifiers: Orphanet 178464, Orphanet 34521, MedGen C1863599, MONDO:0011362, OMIM 603689.
Tibial muscular dystrophy (TMD). Also called: Tibial muscular dystrophy, tardive; Udd Distal Myopathy – Tibial Muscular Dystrophy; UDD MYOPATHY. Identifiers: Orphanet 609, MedGen C1838244, MONDO:0010870, OMIM 600334.
TTN-related disorder. Also called: TTN-related condition; TTN-related disease; TTN-related disorders.
Early-onset myopathy with fatal cardiomyopathy (CMYO5). Also called: CONGENITAL MYOPATHY 5 WITH CARDIOMYOPATHY; Salih Myopathy. Identifiers: Orphanet 289377, MedGen C2673677, MONDO:0012714, OMIM 611705. Disease mechanism: loss of function.

Allele frequency attached by ClinVar (database versions not stated): ESP Exome Variant Server 0.00009; TOPMed 0.00013; 1000 Genomes Project 30x 0.00016; ExAC 0.00016.
gnomAD v4.1: 41 of 1,559,972 alleles (0.0026%); highest among the groups gnomAD compares: Middle Eastern, 0.1%; no homozygotes.

Submissions (12):

PreventionGenetics, part of Exact Sciences
Classification: Uncertain significance for TTN-related condition. Last evaluated: 2026-09-09. Review status: criteria provided, single submitter. Criteria: ACMG Guidelines, 2015. Collection method: clinical testing. Allele origin: germline.
Comment: The TTN c.31390C>T variant is predicted to result in the amino acid substitution p.Arg10464Trp. To our knowledge, this variant has not been reported in the literature. This variant is reported in 0.020% of alleles in individuals of African descent in gnomAD. At this time, the clinical significance of this variant is uncertain due to the absence of conclusive functional and genetic evidence.

CeGaT Center for Human Genetics Tuebingen
Classification: Uncertain significance. Last evaluated: 2025-11-01. Review status: criteria provided, single submitter. Criteria: CeGaT Center For Human Genetics Tuebingen Variant Classification Criteria Version 2. Collection method: clinical testing. Allele origin: germline. Affected: yes. Observed: 1 variant allele.
Comment: TTN: PM2

Women's Health and Genetics/Laboratory Corporation of America, LabCorp
Classification: Uncertain significance. Last evaluated: 2025-07-16. Review status: criteria provided, single submitter. Criteria: LabCorp Variant Classification Summary - May 2015. Collection method: clinical testing. Allele origin: germline.
Comment: Variant summary: TTN NM_133378:c.27658C>T (p.Arg9220Trp), also known as NM_001267550:c.31390C>T (p.Arg10464Trp), results in a non-conservative amino acid change in the encoded protein sequence. Algorithms developed to predict the effect of missense changes on protein structure and function are either unavailable or do not agree on the potential impact of this missense change. The variant allele was found at a frequency of 5.2e-05 in 174160 control chromosomes. The available data on variant occurrences in the general population are insufficient to allow any conclusion about variant significance. To our knowledge, no occurrence of c.27658C>T in individuals affected with Autosomal Recessive Titinopathy and no experimental evidence demonstrating its impact on protein function have been reported. ClinVar contains an entry for this variant (Variation ID: 405108). Based on the evidence outlined above, the variant was classified as uncertain significance.

Revvity Omics, Revvity
Classification: Uncertain significance. Last evaluated: 2024-03-18. Review status: criteria provided, single submitter. Criteria: ACMG Guidelines, 2015. Collection method: clinical testing. Allele origin: germline.

Blueprint Genetics
Classification: Likely benign. Last evaluated: 2023-05-30. Review status: criteria provided, single submitter. Criteria: ACMG Guidelines, 2015. Collection method: clinical testing. Allele origin: germline.

GeneDx
Classification: Uncertain significance. Last evaluated: 2019-04-24. Review status: criteria provided, single submitter. Criteria: GeneDx Variant Classification Process June 2021. Collection method: clinical testing. Allele origin: germline. Affected: yes.

Illumina Laboratory Services, Illumina
Classification: Benign for Tibial muscular dystrophy. Last evaluated: 2018-01-13. Review status: criteria provided, single submitter. Criteria: ICSL Variant Classification Criteria 13 December 2019. Collection method: clinical testing. Allele origin: germline.
Comment: This variant was observed in the ICSL laboratory as part of a predisposition screen in an ostensibly healthy population. It had not been previously curated by ICSL or reported in the Human Gene Mutation Database (HGMD: prior to June 1st, 2018), and was therefore a candidate for classification through an automated scoring system. Utilizing variant allele frequency, disease prevalence and penetrance estimates, and inheritance mode, an automated score was calculated to assess if this variant is too frequent to cause the disease. Based on the score and internal cut-off values, a variant classified as benign is not then subjected to further curation. The score for this variant resulted in a classification of benign for this disease.

Illumina Laboratory Services, Illumina
Classification: Uncertain significance for Autosomal recessive limb-girdle muscular dystrophy type 2J. Last evaluated: 2018-01-13. Review status: criteria provided, single submitter. Criteria: ICSL Variant Classification Criteria 13 December 2019. Collection method: clinical testing. Allele origin: germline.

Illumina Laboratory Services, Illumina
Classification: Uncertain significance for Dilated cardiomyopathy 1G. Last evaluated: 2018-01-13. Review status: criteria provided, single submitter. Criteria: ICSL Variant Classification Criteria 13 December 2019. Collection method: clinical testing. Allele origin: germline.

Illumina Laboratory Services, Illumina
Classification: Uncertain significance for Early-onset myopathy with fatal cardiomyopathy. Last evaluated: 2018-01-13. Review status: criteria provided, single submitter. Criteria: ICSL Variant Classification Criteria 13 December 2019. Collection method: clinical testing. Allele origin: germline.

Illumina Laboratory Services, Illumina
Classification: Benign for Myopathy, myofibrillar, 9, with early respiratory failure. Last evaluated: 2018-01-13. Review status: criteria provided, single submitter. Criteria: ICSL Variant Classification Criteria 13 December 2019. Collection method: clinical testing. Allele origin: germline.
Comment: the same text as in the submission from Illumina Laboratory Services, Illumina above.

Labcorp Genetics (formerly Invitae), Labcorp
Classification: Uncertain significance for Dilated cardiomyopathy 1G; Autosomal recessive limb-girdle muscular dystrophy type 2J. Last evaluated: 2016-10-31. Review status: criteria provided, single submitter. Criteria: Invitae Variant Classification Sherloc (09022015). Collection method: clinical testing. Allele origin: germline.